The following is an entry in ClinVar:

NM_198253.3(TERT):c.184G>T (p.Ala62Ser)

Genes: TERT (telomerase reverse transcriptase; minus strand), LOC110806263 (TERT 5' regulatory region; plus strand). Cytogenetic location: 5p15.33.
Variant type: single nucleotide variant.
Coding change: c.184G>T on transcript NM_198253.3 (MANE Select); coding-DNA position 184, G replaced by T.
Protein change: p.Ala62Ser; replaces alanine 62 with serine.
Molecular consequence: missense variant. On other transcripts: non-coding transcript variant (2).
Genome position (GRCh38, 1-based): chr5:1,294,806, C>A on the plus strand (G>T on the coding strand, the complement: TERT is on the minus strand). VCF-style: chr5-1294806-C-A. GRCh37 (hg19) VCF-style: chr5-1294921-C-A.
Other names: c.184G>T, p.Ala62Ser (NM_001193376.3); c.184G>T (NM_198253.2); short protein forms A62S.
Identifiers: ClinVar variation 1051928 (VCV001051928.10), dbSNP rs2126691502, ClinGen allele CA359058884.

ClinVar aggregate classification (germline): Uncertain significance. Review status: criteria provided, multiple submitters, no conflicts (2 of 4 stars). 2 submissions from 2 submitters: Uncertain significance (2). Last evaluated 2025-06-09.

Conditions:
Dyskeratosis congenita, autosomal dominant 2. Identifiers: MedGen C3151443, MONDO:0013521, OMIM 613989.
Idiopathic Pulmonary Fibrosis. Also called: Idiopathic fibrosing alveolitis, chronic form; idiopathic fibrosing alveolitis. Identifiers: Orphanet 2032, MedGen C1800706, MeSH D054990, MONDO:0800504.
Dyskeratosis congenita. Identifiers: Orphanet 1775, MedGen C0265965, MONDO:0015780.

Submissions (2):

Ambry Genetics
Classification: Uncertain significance for Dyskeratosis congenita. Last evaluated: 2025-06-09. Review status: criteria provided, single submitter. Criteria: Ambry Variant Classification Scheme 2023. Collection method: clinical testing. Allele origin: germline.
Comment: The p.A62S variant (also known as c.184G>T), located in coding exon 1 of the TERT gene, results from a G to T substitution at nucleotide position 184. The alanine at codon 62 is replaced by serine, an amino acid with similar properties. This amino acid position is conserved. In addition, this alteration is predicted to be tolerated by in silico analysis. Based on the available evidence, the clinical significance of this variant remains unclear.

Labcorp Genetics (formerly Invitae), Labcorp
Classification: Uncertain significance for Dyskeratosis congenita, autosomal dominant 2; Idiopathic Pulmonary Fibrosis. Last evaluated: 2020-05-21. Review status: criteria provided, single submitter. Criteria: Invitae Variant Classification Sherloc (09022015). Collection method: clinical testing. Allele origin: germline.
Comment: This sequence change replaces alanine with serine at codon 62 of the TERT protein (p.Ala62Ser). The alanine residue is weakly conserved and there is a moderate physicochemical difference between alanine and serine. In summary, the available evidence is currently insufficient to determine the role of this variant in disease. Therefore, it has been classified as a Variant of Uncertain Significance. Algorithms developed to predict the effect of missense changes on protein structure and function output the following: SIFT: "Tolerated"; PolyPhen-2: "Benign"; Align-GVGD: "Class C0". The serine amino acid residue is found in multiple mammalian species, suggesting that this missense change does not adversely affect protein function. These predictions have not been confirmed by published functional studies and their clinical significance is uncertain. This variant has not been reported in the literature in individuals with TERT-related conditions. The frequency data for this variant in the population databases is considered unreliable, as metrics indicate insufficient coverage at this position in the ExAC database.